The following is an entry in ClinVar:

ClinVar aggregate classification (germline): Uncertain significance (1 of 4 stars; one submission).

gnomAD v4.1: 3 of 1,613,742 alleles (0.00019%); highest among the groups gnomAD compares: Non-Finnish European, 0.00025%; no homozygotes.

Submission:

GeneDx
Classification: Uncertain significance. Last evaluated: 2025-08-04. Review status: criteria provided, single submitter. Criteria: GeneDx Variant Classification Process June 2021. Collection method: clinical testing. Allele origin: germline. Affected: yes.
Comment: Not observed at significant frequency in large population cohorts (gnomAD); Missense variant in a gene in which most reported pathogenic variants are truncating/loss of function; Has not been previously published as pathogenic or benign to our knowledge

NM_001267550.2(TTN):c.91058G>A (p.Gly30353Asp)

Genes: TTN (titin; minus strand), TTN-AS1 (TTN antisense RNA 1; plus strand). Cytogenetic location: 2q31.2.
Variant type: single nucleotide variant.
Coding change: c.91058G>A on transcript NM_001267550.2 (MANE Select); coding-DNA position 91058, G replaced by A.
Protein change: p.Gly30353Asp; replaces glycine 30353 with aspartic acid.
Molecular consequence: missense variant.
Genome position (GRCh38, 1-based): chr2:178,551,842, C>T on the plus strand (G>A on the coding strand, the complement: TTN is on the minus strand). VCF-style: chr2-178551842-C-T. GRCh37 (hg19) VCF-style: chr2-179416569-C-T.
Other names: c.86135G>A, p.Gly28712Asp (NM_001256850.1); c.63863G>A, p.Gly21288Asp (NM_003319.4); c.83354G>A, p.Gly27785Asp (NM_133378.4); c.64238G>A, p.Gly21413Asp (NM_133432.3); c.64439G>A, p.Gly21480Asp (NM_133437.4); short protein forms G21288D, G21413D, G21480D, G27785D, G28712D, G30353D.
Identifiers: ClinVar variation 4755697 (VCV004755697.1).